The following is an entry in ClinVar:

ClinVar aggregate classification (germline): Conflicting classifications of pathogenicity. Review status: criteria provided, conflicting classifications (1 of 4 stars). 4 submissions from 4 submitters: Uncertain significance (3); Likely benign (1). Last evaluated 2025-11-15.

Conditions:
SPTB-related disorder. Also called: SPTB-related condition; SPTB-Related Disorders.

Allele frequency attached by ClinVar (database versions not stated): ESP Exome Variant Server 0.00008; gnomAD 0.00009 and 0.00010; TOPMed 0.00010; 1000 Genomes Project 0.00020; ExAC 0.00021; 1000 Genomes Project 30x 0.00031.
gnomAD v4.1: 251 of 1,614,188 alleles (0.016%); highest among the groups gnomAD compares: South Asian, 0.098%; 1 homozygote.

Submissions (4):

Labcorp Genetics (formerly Invitae), Labcorp
Classification: Likely benign. Last evaluated: 2025-11-15. Review status: criteria provided, single submitter. Criteria: Invitae Variant Classification Sherloc (09022015). Collection method: clinical testing. Allele origin: germline.

PreventionGenetics, part of Exact Sciences
Classification: Uncertain significance for SPTB-related condition. Last evaluated: 2025-10-03. Review status: criteria provided, single submitter. Criteria: ACMG Guidelines, 2015. Collection method: clinical testing. Allele origin: germline.
Comment: The SPTB c.3425G>A variant is predicted to result in the amino acid substitution p.Arg1142Gln. To our knowledge, this variant has not been reported in the literature. This variant is reported in 0.082% of alleles in individuals of South Asian descent in gnomAD. Although we suspect that this variant may be benign, at this time, the clinical significance of this variant is uncertain due to the absence of conclusive functional and genetic evidence.

Mayo Clinic Laboratories, Mayo Clinic
Classification: Uncertain significance. Last evaluated: 2025-06-24. Review status: criteria provided, single submitter. Criteria: ACMG Guidelines, 2015. Collection method: clinical testing. Allele origin: germline. Observed: 1 variant allele.
Comment: PM2_supporting

ARUP Laboratories, Molecular Genetics and Genomics, ARUP Laboratories
Classification: Uncertain significance. Last evaluated: 2025-01-07. Review status: criteria provided, single submitter. Criteria: ARUP Molecular Germline Variant Investigation Process 2024. Collection method: clinical testing. Allele origin: germline.
Comment: The SPTB c.3425G>A; p.Arg1142Gln variant (rs141173028), to our knowledge, is not reported in the medical literature but is reported as uncertain in ClinVar (Variation ID: 313739). This variant is found in the general population with an overall allele frequency of 0.02% (46/282,772 alleles) in the Genome Aggregation Database (v2.1.1). Computational analyses are uncertain whether this variant is neutral or deleterious (REVEL: 0.342). Due to limited information, the clinical significance of this variant is uncertain at this time.

NM_001355436.2(SPTB):c.3425G>A (p.Arg1142Gln)

Gene: SPTB (spectrin beta, erythrocytic; minus strand). Cytogenetic location: 14q23.3.
Variant type: single nucleotide variant.
Coding change: c.3425G>A on transcript NM_001355436.2 (MANE Select); coding-DNA position 3425, G replaced by A.
Protein change: p.Arg1142Gln; replaces arginine 1142 with glutamine.
Molecular consequence: missense variant.
Genome position (GRCh38, 1-based): chr14:64,786,540, C>T on the plus strand (G>A on the coding strand, the complement: SPTB is on the minus strand). VCF-style: chr14-64786540-C-T. GRCh37 (hg19) VCF-style: chr14-65253258-C-T.
Other names: p.Arg1142Gln; c.3425G>A, p.Arg1142Gln (NM_001024858.4, NM_001355437.2); c.3425G>A (NM_001024858.2); short protein forms R1142Q.
Identifiers: ClinVar variation 313739 (VCV000313739.18), dbSNP rs141173028, ClinGen allele CA7230634.
Genomic context (GRCh38, chr14:64,786,540, plus strand): 5'-TGGCTGCGGCTCTCCCACATCCTGCCCAGGGCATTCCAGCCAGTATCCAGGCCCTCCAGC[C>T]GCTGGCCCAGAAGCAGATACTCTGGGTCCGTCTGGCCTTGGATCACTTTCTCCCCAGACT-3'
Protein context (NP_001342365.1, residues 1132-1152): TDPEYLLLGQ[Arg1142Gln]LEGLDTGWNA